The following is an entry in ClinVar:

ClinVar aggregate classification (germline): Uncertain significance/Uncertain risk allele. Review status: criteria provided, multiple submitters, no conflicts (2 of 4 stars). 2 submissions from 2 submitters: Uncertain significance (1); Uncertain risk allele (1). Last evaluated 2017-10-23.

Conditions:
Maturity-onset diabetes of the young (MODY). Also called: Maturity onset diabetes mellitus in young. Identifiers: Orphanet 552, MedGen C0342276, MONDO:0018911, HP:0004904.

Submissions (2):

Athena Diagnostics
Classification: Uncertain significance. Last evaluated: 2017-10-23. Review status: criteria provided, single submitter. Criteria: Athena Diagnostics Criteria. Collection method: clinical testing. Allele origin: germline.

Clinical Genomics, Uppaluri K&H Personalized Medicine Clinic
Classification: Uncertain risk allele for Maturity-onset diabetes of the young. Review status: criteria provided, single submitter. Criteria: K & H Uppaluri Personalized Medicine Clinic Variant Classification & Assertion Criteria_Updated V.1. Collection method: research. Allele origin: unknown. Inheritance: Autosomal dominant inheritance.
Comment: Potent mutations in HNF4A are associated with poor insulin secretion in response to hyperglycemia. Associated with MODY1. Patients initially respond well to sulfonylureas but eventually become insulin dependent. However, more evidence is required to ascertain the role of this particular variant rs1568741207 in MODY, yet.

Literature cited by the submitters: DOI 10.1159/000334532 (cited by Clinical Genomics, Uppaluri K&H Personalized Medicine Clinic); PubMed 18268044 (cited by Clinical Genomics, Uppaluri K&H Personalized Medicine Clinic); PubMed 17563455 (cited by Clinical Genomics, Uppaluri K&H Personalized Medicine Clinic); PubMed 32583173 (cited by Clinical Genomics, Uppaluri K&H Personalized Medicine Clinic); PubMed 35052457 (cited by Clinical Genomics, Uppaluri K&H Personalized Medicine Clinic); PubMed 35118593 (cited by Clinical Genomics, Uppaluri K&H Personalized Medicine Clinic).

NM_175914.5(HNF4A):c.953T>A (p.Leu318Gln)

Gene: HNF4A (hepatocyte nuclear factor 4 alpha; plus strand). Cytogenetic location: 20q13.12.
Variant type: single nucleotide variant.
Coding change: c.953T>A on transcript NM_175914.5 (MANE Select); coding-DNA position 953, T replaced by A.
Protein change: p.Leu318Gln; replaces leucine 318 with glutamine.
Molecular consequence: missense variant.
Genome position (GRCh38, 1-based): chr20:44,424,144, T>A. VCF-style: chr20-44424144-T-A. GRCh37 (hg19) VCF-style: chr20-43052784-T-A.
Other names: c.1019T>A, p.Leu340Gln (NM_000457.6, NM_178849.3, NM_178850.3); c.953T>A, p.Leu318Gln (NM_001030003.3, NM_001030004.3); c.998T>A, p.Leu333Gln (NM_001258355.2); c.944T>A, p.Leu315Gln (NM_001287182.2, NM_001287183.2, NM_001287184.2); short protein forms L315Q, L318Q, L340Q, L333Q.
Identifiers: ClinVar variation 586009 (VCV000586009.2), dbSNP rs1568741207, ClinGen allele CA409108340.